The following is an entry in ClinVar:

NM_001363711.2(DUOX2):c.175C>G (p.Arg59Gly)

Gene: DUOX2 (dual oxidase 2; minus strand). Cytogenetic location: 15q21.1.
Variant type: single nucleotide variant.
Coding change: c.175C>G on transcript NM_001363711.2 (MANE Select); coding-DNA position 175, C replaced by G.
Protein change: p.Arg59Gly; replaces arginine 59 with glycine.
Molecular consequence: missense variant.
Genome position (GRCh38, 1-based): chr15:45,112,704, G>C on the plus strand (C>G on the coding strand, the complement: DUOX2 is on the minus strand). VCF-style: chr15-45112704-G-C. GRCh37 (hg19) VCF-style: chr15-45404902-G-C.
Other names: c.175C>G, p.Arg59Gly (NM_014080.5); short protein forms R59G.
Identifiers: ClinVar variation 2471017 (VCV002471017.6), dbSNP rs774578957, ClinGen allele CA7539083.

ClinVar aggregate classification (germline): Uncertain significance. Review status: criteria provided, multiple submitters, no conflicts (2 of 4 stars). 3 submissions from 3 submitters: Uncertain significance (3). Last evaluated 2025-12-15.

Conditions:
Inborn genetic diseases. Identifiers: MedGen C0950123, MeSH D030342.

Allele frequency attached by ClinVar (database versions not stated): ExAC 0.00001; gnomAD 0.00003; TOPMed 0.00003.
gnomAD v4.1: 34 of 1,611,682 alleles (0.0021%); highest among the groups gnomAD compares: Non-Finnish European, 0.0028%; no homozygotes.

Submissions (3):

GeneDx
Classification: Uncertain significance. Last evaluated: 2025-12-15. Review status: criteria provided, single submitter. Criteria: GeneDx Variant Classification Process June 2021. Collection method: clinical testing. Allele origin: germline.
Comment: In silico analysis supports that this missense variant has a deleterious effect on protein structure/function; Has not been previously published as pathogenic or benign to our knowledge

Labcorp Genetics (formerly Invitae), Labcorp
Classification: Uncertain significance. Last evaluated: 2025-11-11. Review status: criteria provided, single submitter. Criteria: Invitae Variant Classification Sherloc (09022015). Collection method: clinical testing. Allele origin: germline.
Comment: This sequence change replaces arginine, which is basic and polar, with glycine, which is neutral and non-polar, at codon 59 of the DUOX2 protein (p.Arg59Gly). This variant is present in population databases (rs774578957, gnomAD 0.006%). This variant has not been reported in the literature in individuals affected with DUOX2-related conditions. ClinVar contains an entry for this variant (Variation ID: 2471017). Invitae Evidence Modeling of protein sequence and biophysical properties (such as structural, functional, and spatial information, amino acid conservation, physicochemical variation, residue mobility, and thermodynamic stability) indicates that this missense variant is expected to disrupt DUOX2 protein function with a positive predictive value of 80%. In summary, the available evidence is currently insufficient to determine the role of this variant in disease. Therefore, it has been classified as a Variant of Uncertain Significance.

Ambry Genetics
Classification: Uncertain significance for Inborn genetic diseases. Last evaluated: 2023-02-23. Review status: criteria provided, single submitter. Criteria: Ambry Variant Classification Scheme 2023. Collection method: clinical testing. Allele origin: germline.